The following is an entry in ClinVar:

ClinVar aggregate classification (germline): Uncertain significance (1 of 4 stars; one submission).

Conditions:
Usher syndrome type 3B. Also called: USHER SYNDROME, TYPE IIIB. Identifiers: MedGen C3281066, MONDO:0013788, OMIM 614504.

Submission:

Labcorp Genetics (formerly Invitae), Labcorp
Classification: Uncertain significance for Usher syndrome type 3B. Last evaluated: 2019-12-24. Review status: criteria provided, single submitter. Criteria: Invitae Variant Classification Sherloc (09022015). Collection method: clinical testing. Allele origin: germline.
Comment: In summary, the available evidence is currently insufficient to determine the role of this variant in disease. Therefore, it has been classified as a Variant of Uncertain Significance. Algorithms developed to predict the effect of missense changes on protein structure and function are either unavailable or do not agree on the potential impact of this missense change (SIFT: "Deleterious"; PolyPhen-2: "Probably Damaging"; Align-GVGD: "Class C15"). This variant has not been reported in the literature in individuals with HARS-related conditions. This variant is not present in population databases (ExAC no frequency). This sequence change replaces valine with aspartic acid at codon 226 of the HARS protein (p.Val226Asp). The valine residue is moderately conserved and there is a large physicochemical difference between valine and aspartic acid.

NM_002109.6(HARS1):c.677T>A (p.Val226Asp)

Gene: HARS1 (histidyl-tRNA synthetase 1; minus strand). Cytogenetic location: 5q31.3.
Variant type: single nucleotide variant.
Coding change: c.677T>A on transcript NM_002109.6 (MANE Select); coding-DNA position 677, T replaced by A.
Protein change: p.Val226Asp; replaces valine 226 with aspartic acid.
Molecular consequence: missense variant.
Genome position (GRCh38, 1-based): chr5:140,677,707, A>T on the plus strand (T>A on the coding strand, the complement: HARS1 is on the minus strand). VCF-style: chr5-140677707-A-T. GRCh37 (hg19) VCF-style: chr5-140057292-A-T.
Other names: c.557T>A, p.Val186Asp (NM_001258040.3); c.617T>A, p.Val206Asp (NM_001258041.3); c.497T>A, p.Val166Asp (NM_001258042.3); c.455T>A, p.Val152Asp (NM_001289092.2); c.335T>A, p.Val112Asp (NM_001289093.2); c.590T>A, p.Val197Asp (NM_001289094.2); short protein forms V152D, V206D, V112D, V166D, V186D, V197D, V226D.
Identifiers: ClinVar variation 864758 (VCV000864758.10), dbSNP rs1758468780, ClinGen allele CA361254939.
Genomic context (GRCh38, chr5:140,677,707, plus strand): 5'-GTTGTTACCTTGTCCAGCTTGTCTACTGAGGAGCAGATGGTACGGAACTTGCTGTCAGAA[A>T]CACCACAGATAGCAAACATCCCATCTAGAATGCGTCGATCGTTTACCTGCAAGGAACCAA-3'
Protein context (NP_002100.2, residues 216-236): ILDGMFAICG[Val226Asp]SDSKFRTICS